The following is an entry in ClinVar:

ClinVar aggregate classification (germline): Pathogenic. Review status: reviewed by expert panel (3 of 4 stars). 2 submissions from 2 submitters: Pathogenic (1). 1 of the submissions does not count toward it. Last evaluated 2024-08-30.

Conditions:
Monogenic diabetes. Identifiers: Orphanet 183625, MedGen C3888631, MONDO:0015967.

Submissions (2):

ClinGen Monogenic Diabetes Variant Curation Expert Panel
Classification: Pathogenic for Monogenic diabetes. Last evaluated: 2024-08-30. Review status: reviewed by expert panel. Criteria: ClinGen Diabetes ACMG Specifications HNF4A V2.0.0. Collection method: curation. Allele origin: germline. Inheritance: Autosomal dominant inheritance.
Comment: The c.745G>T variant in the hepatocyte nuclear factor 4-alpha gene, HNF4A, results in a premature termination at codon 249 (p.(Glu249Ter)) of NM_175914.5. This variant is absent in gnomAD v2.1.1 (PM2_Supporting) and located in biologically relevant exon 7 of 10, is predicted to lead to nonsense-mediated decay in a gene in which loss-of-function is an established disease mechanism (PVS1; PMID: 23348805). In summary, c.745G>T meets the criteria to be classified as pathogenic for monogenic diabetes. ACMG/AMP criteria applied, as specified by the ClinGen MDEP (specification version 2.0.0, approved 10/11/2023): PVS1, PP4, PM2_Supporting.

Athena Diagnostics
Classification: Pathogenic. Last evaluated: 2017-07-28. Review status: criteria provided, single submitter. Criteria: Athena Diagnostics Criteria. Collection method: clinical testing. Allele origin: germline. Not counted in ClinVar's aggregate classification.

NM_175914.5(HNF4A):c.745G>T (p.Glu249Ter)

Gene: HNF4A (hepatocyte nuclear factor 4 alpha; plus strand). Cytogenetic location: 20q13.12.
Variant type: single nucleotide variant.
Coding change: c.745G>T on transcript NM_175914.5 (MANE Select); coding-DNA position 745, G replaced by T.
Protein change: p.Glu249Ter; replaces glutamic acid 249 with a stop codon.
Molecular consequence: nonsense.
Genome position (GRCh38, 1-based): chr20:44,419,795, G>T. VCF-style: chr20-44419795-G-T. GRCh37 (hg19) VCF-style: chr20-43048435-G-T.
Other names: NM_175914.5(HNF4A):c.745G>T; p.Glu249Ter; c.811G>T, p.Glu271Ter (NM_000457.6, NM_178849.3, NM_178850.3); c.745G>T, p.Glu249Ter (NM_001030003.3, NM_001030004.3); c.790G>T, p.Glu264Ter (NM_001258355.2); c.736G>T, p.Glu246Ter (NM_001287182.2, NM_001287183.2, NM_001287184.2); short protein forms E246*, E249*, E271*, E264*.
Identifiers: ClinVar variation 447522 (VCV000447522.2), dbSNP rs781364316, ClinGen allele CA409107472.